The following is an entry in ClinVar:

NM_000158.4(GBE1):c.227T>C (p.Phe76Ser)

Gene: GBE1 (1,4-alpha-glucan branching enzyme 1; minus strand). Cytogenetic location: 3p12.2.
Variant type: single nucleotide variant.
Coding change: c.227T>C on transcript NM_000158.4 (MANE Select); coding-DNA position 227, T replaced by C.
Protein change: p.Phe76Ser; replaces phenylalanine 76 with serine.
Molecular consequence: missense variant.
Genome position (GRCh38, 1-based): chr3:81,705,530, A>G on the plus strand (T>C on the coding strand, the complement: GBE1 is on the minus strand). VCF-style: chr3-81705530-A-G. GRCh37 (hg19) VCF-style: chr3-81754681-A-G.
Other names: c.227T>C (NM_000158.3); short protein forms F76S.
Identifiers: ClinVar variation 1402025 (VCV001402025.4), dbSNP rs1267044758, ClinGen allele CA353687789.

ClinVar aggregate classification (germline): Uncertain significance. Review status: criteria provided, multiple submitters, no conflicts (2 of 4 stars). 2 submissions from 2 submitters: Uncertain significance (2). Last evaluated 2023-05-29.

Conditions:
Glycogen storage disease, type IV (GSD4). Also called: Glycogen storage disease due to glycogen branching enzyme deficiency; AMYLOPECTINOSIS; ANDERSEN DISEASE; BRANCHER DEFICIENCY; CIRRHOSIS, FAMILIAL, WITH DEPOSITION OF ABNORMAL GLYCOGEN; GBE1 DEFICIENCY. Identifiers: OMIM 232500, Orphanet 367, MedGen C0017923, MONDO:0009292.
Glycogen storage disease IV, classic hepatic. Also called: GSD IV, CLASSIC HEPATIC. Identifiers: MedGen C1856301.

Submissions (2):

GeneDx
Classification: Uncertain significance. Last evaluated: 2023-05-29. Review status: criteria provided, single submitter. Criteria: GeneDx Variant Classification Process June 2021. Collection method: clinical testing. Allele origin: germline. Affected: yes.
Comment: Not observed at significant frequency in large population cohorts (gnomAD); In silico analysis supports that this missense variant has a deleterious effect on protein structure/function; Has not been previously published as pathogenic or benign to our knowledge

Labcorp Genetics (formerly Invitae), Labcorp
Classification: Uncertain significance for Glycogen storage disease, type IV; Glycogen storage disease IV, classic hepatic. Last evaluated: 2021-09-01. Review status: criteria provided, single submitter. Criteria: Invitae Variant Classification Sherloc (09022015). Collection method: clinical testing. Allele origin: germline.